The following is an entry in ClinVar:

NM_177438.3(DICER1):c.3628C>A (p.Pro1210Thr)

Gene: DICER1 (dicer 1, ribonuclease III; minus strand). Cytogenetic location: 14q32.13.
Variant type: single nucleotide variant.
Coding change: c.3628C>A on transcript NM_177438.3 (MANE Select); coding-DNA position 3628, C replaced by A.
Protein change: p.Pro1210Thr; replaces proline 1210 with threonine.
Molecular consequence: missense variant.
Genome position (GRCh38, 1-based): chr14:95,103,768, G>T on the plus strand (C>A on the coding strand, the complement: DICER1 is on the minus strand). VCF-style: chr14-95103768-G-T. GRCh37 (hg19) VCF-style: chr14-95570105-G-T.
Other names: c.3628C>A, p.Pro1210Thr (NM_001195573.1, NM_001271282.3, NM_001291628.2 and 1 more transcripts); short protein forms P1210T.
Identifiers: ClinVar variation 1483539 (VCV001483539.7), dbSNP rs200925349, ClinGen allele CA390874616.

ClinVar aggregate classification (germline): Uncertain significance (1 of 4 stars; one submission).

Conditions:
DICER1-related tumor predisposition. Also called: DICER1-related pleuropulmonary blastoma cancer predisposition syndrome; DICER1 syndrome. Identifiers: Orphanet 284343, MedGen C3839822, MONDO:0100216.

Submission:

Labcorp Genetics (formerly Invitae), Labcorp
Classification: Uncertain significance for DICER1-related tumor predisposition. Last evaluated: 2021-12-02. Review status: criteria provided, single submitter. Criteria: Invitae Variant Classification Sherloc (09022015). Collection method: clinical testing. Allele origin: germline.
Comment: This sequence change replaces proline, which is neutral and non-polar, with threonine, which is neutral and polar, at codon 1210 of the DICER1 protein (p.Pro1210Thr). This variant is not present in population databases (gnomAD no frequency). This variant has not been reported in the literature in individuals affected with DICER1-related conditions. Algorithms developed to predict the effect of missense changes on protein structure and function (SIFT, PolyPhen-2, Align-GVGD) all suggest that this variant is likely to be tolerated. In summary, the available evidence is currently insufficient to determine the role of this variant in disease. Therefore, it has been classified as a Variant of Uncertain Significance.